The following is an entry in ClinVar:

ClinVar aggregate classification (germline): Likely benign (0 of 4 stars; one submission).

Conditions:
PLXND1-related disorder. Also called: PLXND1-related condition.

Allele frequency attached by ClinVar (database versions not stated): gnomAD 0.00003; TOPMed 0.00003; ExAC 0.00004; gnomAD exomes 0.00009; ESP Exome Variant Server 0.00015.
gnomAD v4.1: 134 of 1,613,942 alleles (0.0083%); highest among the groups gnomAD compares: Non-Finnish European, 0.011%; no homozygotes.

Submission:

PreventionGenetics, part of Exact Sciences
Classification: Likely benign for PLXND1-related condition. Last evaluated: 2019-08-12. Review status: no assertion criteria provided. Collection method: clinical testing. Allele origin: germline.
Comment: This variant is classified as likely benign based on ACMG/AMP sequence variant interpretation guidelines (Richards et al. 2015 PMID: 25741868, with internal and published modifications).

NM_015103.3(PLXND1):c.1845G>A (p.Glu615=)

Gene: PLXND1 (plexin D1; minus strand). Cytogenetic location: 3q22.1.
Variant type: single nucleotide variant.
Coding change: c.1845G>A on transcript NM_015103.3 (MANE Select); coding-DNA position 1845, G replaced by A.
Protein change: p.Glu615=; no amino-acid change (glutamic acid 615 retained).
Molecular consequence: synonymous variant.
Genome position (GRCh38, 1-based): chr3:129,585,958, C>T on the plus strand (G>A on the coding strand, the complement: PLXND1 is on the minus strand). VCF-style: chr3-129585958-C-T. GRCh37 (hg19) VCF-style: chr3-129304801-C-T.
Identifiers: ClinVar variation 3034585 (VCV003034585.2), dbSNP rs140092579, ClinGen allele CA2609229.